The following is an entry in ClinVar:

NM_003072.5(SMARCA4):c.1562G>A (p.Arg521Gln)

Gene: SMARCA4 (SWI/SNF related BAF chromatin remodeling complex subunit ATPase 4; plus strand). Cytogenetic location: 19p13.2.
Variant type: single nucleotide variant.
Coding change: c.1562G>A on transcript NM_003072.5 (MANE Select); coding-DNA position 1562, G replaced by A.
Protein change: p.Arg521Gln; replaces arginine 521 with glutamine.
Molecular consequence: missense variant. On other transcripts: non-coding transcript variant (1).
Genome position (GRCh38, 1-based): chr19:10,994,970, G>A. VCF-style: chr19-10994970-G-A. GRCh37 (hg19) VCF-style: chr19-11105646-G-A.
Other names: c.1562G>A, p.Arg521Gln (NM_001128844.3, NM_001128845.2, NM_001128846.2 and 4 more transcripts); short protein forms R521Q.
Identifiers: ClinVar variation 819516 (VCV000819516.8), dbSNP rs990869140, ClinGen allele CA305290928.

ClinVar aggregate classification (germline): Uncertain significance. Review status: criteria provided, multiple submitters, no conflicts (2 of 4 stars). 2 submissions from 2 submitters: Uncertain significance (2). Last evaluated 2024-04-29.

Conditions:
Hereditary cancer-predisposing syndrome. Also called: Neoplastic Syndromes, Hereditary; Tumor predisposition; Hereditary Cancer Syndrome; Hereditary neoplastic syndrome. Identifiers: Orphanet 140162, MedGen C0027672, MeSH D009386, MONDO:0015356.
Rhabdoid tumor predisposition syndrome 2 (RTPS2). Identifiers: Orphanet 231108, Orphanet 69077, MedGen C2750074, MONDO:0013224, OMIM 613325.

Submissions (2):

Ambry Genetics
Classification: Uncertain significance for Hereditary cancer-predisposing syndrome. Last evaluated: 2024-04-29. Review status: criteria provided, single submitter. Criteria: Ambry Variant Classification Scheme 2023. Collection method: clinical testing. Allele origin: germline.
Comment: The p.R521Q variant (also known as c.1562G>A), located in coding exon 8 of the SMARCA4 gene, results from a G to A substitution at nucleotide position 1562. The arginine at codon 521 is replaced by glutamine, an amino acid with highly similar properties. This amino acid position is highly conserved in available vertebrate species. In addition, the in silico prediction for this alteration is inconclusive. Since supporting evidence is limited at this time, the clinical significance of this alteration remains unclear.

Labcorp Genetics (formerly Invitae), Labcorp
Classification: Uncertain significance for Rhabdoid tumor predisposition syndrome 2. Last evaluated: 2023-07-14. Review status: criteria provided, single submitter. Criteria: Invitae Variant Classification Sherloc (09022015). Collection method: clinical testing. Allele origin: germline.
Comment: This variant has not been reported in the literature in individuals affected with SMARCA4-related conditions. In summary, the available evidence is currently insufficient to determine the role of this variant in disease. Therefore, it has been classified as a Variant of Uncertain Significance. Advanced modeling of protein sequence and biophysical properties (such as structural, functional, and spatial information, amino acid conservation, physicochemical variation, residue mobility, and thermodynamic stability) has been performed at Invitae for this missense variant, however the output from this modeling did not meet the statistical confidence thresholds required to predict the impact of this variant on SMARCA4 protein function. ClinVar contains an entry for this variant (Variation ID: 819516). This variant is not present in population databases (gnomAD no frequency). This sequence change replaces arginine, which is basic and polar, with glutamine, which is neutral and polar, at codon 521 of the SMARCA4 protein (p.Arg521Gln).